The following is an entry in ClinVar:

ClinVar aggregate classification (germline): Uncertain significance (1 of 4 stars; one submission).

Submission:

Ambry Genetics
Classification: Uncertain significance. Last evaluated: 2023-10-21. Review status: criteria provided, single submitter. Criteria: Ambry Variant Classification Scheme 2023. Collection method: clinical testing. Allele origin: germline.
Comment: The p.K377I variant (also known as c.1130A>T), located in coding exon 3 of the PALLD gene, results from an A to T substitution at nucleotide position 1130. The lysine at codon 377 is replaced by isoleucine, an amino acid with dissimilar properties. This amino acid position is conserved. In addition, this alteration is predicted to be tolerated by in silico analysis. Since supporting evidence is limited at this time, the clinical significance of this alteration remains unclear.

NM_001166108.2(PALLD):c.1130A>T (p.Lys377Ile)

Gene: PALLD (palladin, cytoskeletal associated protein; plus strand). Cytogenetic location: 4q32.3.
Variant type: single nucleotide variant.
Coding change: c.1130A>T on transcript NM_001166108.2 (MANE Select); coding-DNA position 1130, A replaced by T.
Protein change: p.Lys377Ile; replaces lysine 377 with isoleucine.
Molecular consequence: missense variant. On other transcripts: 5 prime UTR variant (1).
Genome position (GRCh38, 1-based): chr4:168,681,374, A>T. VCF-style: chr4-168681374-A-T. GRCh37 (hg19) VCF-style: chr4-169602525-A-T.
Other names: c.-17A>T (NM_001166109.2); c.1130A>T, p.Lys377Ile (NM_016081.4); short protein forms K377I.
Identifiers: ClinVar variation 3226715 (VCV003226715.1), dbSNP rs2531574059, ClinGen allele CA358794074.
Genomic context (GRCh38, chr4:168,681,374, plus strand): 5'-TCTTTAATACTTTCCCAGGTGCCAGTTCAACAGATTCTGACAGTGAAAGTTTAGCTTTCA[A>T]ATCAAGAGCTGGAGCTATGCCACAGTAAGTGCCTACAATTCCATCGATTATGTGGAAACA-3'
Protein context (NP_001159580.1, residues 367-387): TDSDSESLAF[Lys377Ile]SRAGAMPQAQ